The following is an entry in ClinVar:

NM_207361.6(FREM2):c.111C>T (p.Leu37=)

Gene: FREM2 (FRAS1 related extracellular matrix 2; plus strand). Cytogenetic location: 13q13.3.
Variant type: single nucleotide variant.
Coding change: c.111C>T on transcript NM_207361.6 (MANE Select); coding-DNA position 111, C replaced by T.
Protein change: p.Leu37=; no amino-acid change (leucine 37 retained).
Molecular consequence: synonymous variant.
Genome position (GRCh38, 1-based): chr13:38,687,455, C>T. VCF-style: chr13-38687455-C-T. GRCh37 (hg19) VCF-style: chr13-39261592-C-T.
Identifiers: ClinVar variation 704854 (VCV000704854.9), dbSNP rs765770038, ClinGen allele CA6954151.

ClinVar aggregate classification (germline): Likely benign. Review status: criteria provided, multiple submitters, no conflicts (2 of 4 stars). 3 submissions from 3 submitters: Likely benign (2). 1 of the submissions does not count toward it. Last evaluated 2025-11-18.

Conditions:
FREM2-related disorder. Also called: FREM2-related condition.
Isolated cryptophthalmia. Also called: Cryptophthalmos, unilateral or bilateral, isolated; ANKYLOBLEPHARON, SIMPLE. Identifiers: Orphanet 91396, MedGen C1852453, MONDO:0007410, OMIM 123570.
Fraser syndrome 2 (FRASRS2). Identifiers: MedGen C4540036, MONDO:0054738, OMIM 617666.

Allele frequency attached by ClinVar (database versions not stated): gnomAD 0.00001; gnomAD exomes 0.00001; ExAC 0.00002; TOPMed 0.00003.
gnomAD v4.1: 22 of 1,594,092 alleles (0.0014%); highest among the groups gnomAD compares: East Asian, 0.0023%; no homozygotes.

Submissions (3):

Labcorp Genetics (formerly Invitae), Labcorp
Classification: Likely benign. Last evaluated: 2025-11-18. Review status: criteria provided, single submitter. Criteria: Invitae Variant Classification Sherloc (09022015). Collection method: clinical testing. Allele origin: germline.

Fulgent Genetics
Classification: Likely benign for Isolated cryptophthalmia; Fraser syndrome 2. Last evaluated: 2021-11-30. Review status: criteria provided, single submitter. Criteria: ACMG Guidelines, 2015. Collection method: clinical testing. Allele origin: unknown.

PreventionGenetics, part of Exact Sciences
Classification: Likely benign for FREM2-related condition. Last evaluated: 2019-10-16. Review status: no assertion criteria provided. Collection method: clinical testing. Allele origin: germline. Not counted in ClinVar's aggregate classification.
Comment: This variant is classified as likely benign based on ACMG/AMP sequence variant interpretation guidelines (Richards et al. 2015 PMID: 25741868, with internal and published modifications).